The following is an entry in ClinVar:

NM_001008212.2(OPTN):c.1618G>C (p.Glu540Gln)

Gene: OPTN (optineurin; plus strand). Cytogenetic location: 10p13.
Variant type: single nucleotide variant.
Coding change: c.1618G>C on transcript NM_001008212.2 (MANE Select); coding-DNA position 1618, G replaced by C.
Protein change: p.Glu540Gln; replaces glutamic acid 540 with glutamine.
Molecular consequence: missense variant.
Genome position (GRCh38, 1-based): chr10:13,136,750, G>C. VCF-style: chr10-13136750-G-C. GRCh37 (hg19) VCF-style: chr10-13178750-G-C.
Other names: c.1618G>C, p.Glu540Gln (NM_001008211.1, NM_001008213.1, NM_021980.4); short protein forms E540Q.
Identifiers: ClinVar variation 1441138 (VCV001441138.6), dbSNP rs577097767, ClinGen allele CA5411043.
Genomic context (GRCh38, chr10:13,136,750, plus strand): 5'-ACAAACACAACTGCCTGCAAAATGGAACTAATGGAATTATCATACTTATTCCCAGGAGCT[G>C]AGGACAGGGACTGGCGGCAACAGCGGAATATTCCGATTCATTCCTGCCCCAAGTGTGGAG-3'
Protein context (NP_001008213.1, residues 530-550): QQAYLVQRGA[Glu540Gln]DRDWRQQRNI

ClinVar aggregate classification (germline): Uncertain significance (1 of 4 stars; one submission).

Conditions:
Primary open angle glaucoma (POAG). Also called: OPTN-related open angle glaucoma. Identifiers: MedGen C0339573, MONDO:0100553, OMIM 137760.
Glaucoma 1, open angle, E. Identifiers: MedGen C1842026, MONDO:0007665.
Amyotrophic lateral sclerosis type 12 (ALS12). Also called: AMYOTROPHIC LATERAL SCLEROSIS 12 WITH OR WITHOUT FRONTOTEMPORAL DEMENTIA. Identifiers: Orphanet 803, MedGen C3150692, MONDO:0013264, OMIM 613435.

Allele frequency attached by ClinVar (database versions not stated): ExAC 0.00001; TOPMed 0.00001; gnomAD exomes 0.00002 and 0.00003; gnomAD 0.00003 and 0.00004.
gnomAD v4.1: 48 of 1,613,918 alleles (0.003%); highest among the groups gnomAD compares: Non-Finnish European, 0.0041%; no homozygotes.

Submission:

Labcorp Genetics (formerly Invitae), Labcorp
Classification: Uncertain significance for Primary open angle glaucoma; Glaucoma 1, open angle, E; Amyotrophic lateral sclerosis type 12. Last evaluated: 2025-08-04. Review status: criteria provided, single submitter. Criteria: Invitae Variant Classification Sherloc (09022015). Collection method: clinical testing. Allele origin: germline.
Comment: This sequence change replaces glutamic acid, which is acidic and polar, with glutamine, which is neutral and polar, at codon 540 of the OPTN protein (p.Glu540Gln). This variant is present in population databases (rs577097767, gnomAD 0.005%). This variant has not been reported in the literature in individuals affected with OPTN-related conditions. ClinVar contains an entry for this variant (Variation ID: 1441138). Invitae Evidence Modeling of protein sequence and biophysical properties (such as structural, functional, and spatial information, amino acid conservation, physicochemical variation, residue mobility, and thermodynamic stability) indicates that this missense variant is not expected to disrupt OPTN protein function with a negative predictive value of 80%. In summary, the available evidence is currently insufficient to determine the role of this variant in disease. Therefore, it has been classified as a Variant of Uncertain Significance.